The following is an entry in ClinVar:

NM_170754.4(TNS2):c.3583G>A (p.Val1195Met)

Gene: TNS2 (tensin 2; plus strand). Cytogenetic location: 12q13.13.
Variant type: single nucleotide variant.
Coding change: c.3583G>A on transcript NM_170754.4 (MANE Select); coding-DNA position 3583, G replaced by A.
Protein change: p.Val1195Met; replaces valine 1195 with methionine.
Molecular consequence: missense variant.
Genome position (GRCh38, 1-based): chr12:53,062,161, G>A. VCF-style: chr12-53062161-G-A. GRCh37 (hg19) VCF-style: chr12-53455945-G-A.
Other names: c.3583G>A, p.Val1195Met (NM_001416202.1); c.3541G>A, p.Val1181Met (NM_001416203.1); c.3610G>A, p.Val1204Met (NM_001416204.1); c.3514G>A, p.Val1172Met (NM_015319.3); c.3211G>A, p.Val1071Met (NM_198316.2); short protein forms V1195M, V1181M, V1071M, V1172M, V1204M.
Identifiers: ClinVar variation 2719236 (VCV002719236.3), dbSNP rs376368358, ClinGen allele CA6592913.

ClinVar aggregate classification (germline): Uncertain significance (1 of 4 stars; one submission).

Allele frequency attached by ClinVar (database versions not stated): gnomAD exomes 0.00002; ExAC 0.00004; TOPMed 0.00005; gnomAD 0.00006; ESP Exome Variant Server 0.00015; 1000 Genomes Project 30x 0.00016; 1000 Genomes Project 0.00020.
gnomAD v4.1: 42 of 1,613,986 alleles (0.0026%); highest among the groups gnomAD compares: Middle Eastern, 0.033%; no homozygotes.

Submission:

Labcorp Genetics (formerly Invitae), Labcorp
Classification: Uncertain significance. Last evaluated: 2023-07-28. Review status: criteria provided, single submitter. Criteria: Invitae Variant Classification Sherloc (09022015). Collection method: clinical testing. Allele origin: germline.
Comment: This sequence change replaces valine, which is neutral and non-polar, with methionine, which is neutral and non-polar, at codon 1205 of the TNS2 protein (p.Val1205Met). In summary, the available evidence is currently insufficient to determine the role of this variant in disease. Therefore, it has been classified as a Variant of Uncertain Significance. An algorithm developed to predict the effect of missense changes on protein structure and function (PolyPhen-2) suggests that this variant is likely to be tolerated. This variant has not been reported in the literature in individuals affected with TNS2-related conditions. This variant is present in population databases (rs376368358, gnomAD 0.02%).